The following is an entry in ClinVar:

NM_014679.5(CEP57):c.621+13G>A

Gene: CEP57 (centrosomal protein 57; plus strand). Cytogenetic location: 11q21.
Variant type: single nucleotide variant.
Coding change: c.621+13G>A on transcript NM_014679.5 (MANE Select); 13 bases into the intron after coding-DNA position 621, G replaced by A.
Molecular consequence: intron variant.
Genome position (GRCh38, 1-based): chr11:95,817,916, G>A. VCF-style: chr11-95817916-G-A. GRCh37 (hg19) VCF-style: chr11-95551080-G-A.
Other names: c.540+13G>A (NM_001363604.2); c.594+13G>A (NM_001243776.2); c.621+13G>A (NM_001243777.2).
Identifiers: ClinVar variation 2183036 (VCV002183036.4), dbSNP rs747178717, ClinGen allele CA6239533.

ClinVar aggregate classification (germline): Uncertain significance (1 of 4 stars; one submission).

Conditions:
Mosaic variegated aneuploidy syndrome 2 (MVA2). Identifiers: Orphanet 1052, MedGen C3279843, MONDO:0013582, OMIM 614114.

Allele frequency attached by ClinVar (database versions not stated): gnomAD 0.00001; gnomAD exomes 0.00001; ExAC 0.00002; TOPMed 0.00002.
gnomAD v4.1: 10 of 1,500,754 alleles (0.00067%); highest among the groups gnomAD compares: Non-Finnish European, 0.00093%; no homozygotes.

Submission:

Labcorp Genetics (formerly Invitae), Labcorp
Classification: Uncertain significance for Mosaic variegated aneuploidy syndrome 2. Last evaluated: 2025-08-15. Review status: criteria provided, single submitter. Criteria: Invitae Variant Classification Sherloc (09022015). Collection method: clinical testing. Allele origin: germline.
Comment: This sequence change falls in intron 5 of the CEP57 gene. It does not directly change the encoded amino acid sequence of the CEP57 protein. This variant is present in population databases (rs747178717, gnomAD 0.004%). This variant has not been reported in the literature in individuals affected with CEP57-related conditions. ClinVar contains an entry for this variant (Variation ID: 2183036). Algorithms developed to predict the effect of sequence changes on RNA splicing suggest that this variant may disrupt the consensus splice site. In summary, the available evidence is currently insufficient to determine the role of this variant in disease. Therefore, it has been classified as a Variant of Uncertain Significance.